The following is an entry in ClinVar:

NM_022726.4(ELOVL4):c.154A>G (p.Ile52Val)

Gene: ELOVL4 (ELOVL fatty acid elongase 4; minus strand). Cytogenetic location: 6q14.1.
Variant type: single nucleotide variant.
Coding change: c.154A>G on transcript NM_022726.4 (MANE Select); coding-DNA position 154, A replaced by G.
Protein change: p.Ile52Val; replaces isoleucine 52 with valine.
Molecular consequence: missense variant.
Genome position (GRCh38, 1-based): chr6:79,926,328, T>C on the plus strand (A>G on the coding strand, the complement: ELOVL4 is on the minus strand). VCF-style: chr6-79926328-T-C. GRCh37 (hg19) VCF-style: chr6-80636045-T-C.
Other names: short protein forms I52V.
Identifiers: ClinVar variation 3688467 (VCV003688467.2).

ClinVar aggregate classification (germline): Uncertain significance (1 of 4 stars; one submission).

gnomAD v4.1: 5 of 1,613,926 alleles (0.00031%); highest among the groups gnomAD compares: Non-Finnish European, 0.00034%; no homozygotes.

Submission:

Labcorp Genetics (formerly Invitae), Labcorp
Classification: Uncertain significance. Last evaluated: 2025-12-16. Review status: criteria provided, single submitter. Criteria: Invitae Variant Classification Sherloc (09022015). Collection method: clinical testing. Allele origin: germline.
Comment: This sequence change replaces isoleucine, which is neutral and non-polar, with valine, which is neutral and non-polar, at codon 52 of the ELOVL4 protein (p.Ile52Val). This variant is not present in population databases (gnomAD no frequency). This variant has not been reported in the literature in individuals affected with ELOVL4-related conditions. ClinVar contains an entry for this variant (Variation ID: 3688467). Invitae Evidence Modeling of protein sequence and biophysical properties (such as structural, functional, and spatial information, amino acid conservation, physicochemical variation, residue mobility, and thermodynamic stability) indicates that this missense variant is not expected to disrupt ELOVL4 protein function with a negative predictive value of 80%. Algorithms developed to predict the effect of sequence changes on RNA splicing suggest that this variant may create or strengthen a splice site. In summary, the available evidence is currently insufficient to determine the role of this variant in disease. Therefore, it has been classified as a Variant of Uncertain Significance.